The following is an entry in ClinVar:

NM_001080517.3(SETD5):c.3969_3970delinsGA (p.Ser1323_Gln1324delinsArgLys)

Gene: SETD5 (SET domain containing 5; plus strand). Cytogenetic location: 3p25.3.
Variant type: Indel.
Coding change: c.3969_3970delinsGA on transcript NM_001080517.3 (MANE Select); coding-DNA positions 3969 to 3970, CC replaced by GA.
Protein change: p.Ser1323_Gln1324delinsArgLys.
Molecular consequence: missense variant.
Genome position (GRCh38, 1-based): chr3:9,475,731-9,475,732, CC replaced by GA. VCF-style: chr3-9475731-CC-GA. GRCh37 (hg19) VCF-style: chr3-9517415-CC-GA.
Other names: c.3675_3676delinsGA, p.Ser1225_Gln1226delinsArgLys (NM_001292043.2, NM_001349451.2).
Identifiers: ClinVar variation 3650140 (VCV003650140.2).

ClinVar aggregate classification (germline): Uncertain significance (1 of 4 stars; one submission).

Submission:

Labcorp Genetics (formerly Invitae), Labcorp
Classification: Uncertain significance. Last evaluated: 2024-04-16. Review status: criteria provided, single submitter. Criteria: Invitae Variant Classification Sherloc (09022015). Collection method: clinical testing. Allele origin: germline.
Comment: This variant, c.3969_3970delinsGA, is a complex sequence change that results in the deletion of 2 and insertion of 2 amino acid(s) in the SETD5 protein (p.Ser1323_Gln1324delinsArgLys). Information on the frequency of this variant in the gnomAD database is not available, as this variant may be reported differently in the database. This variant has not been reported in the literature in individuals affected with SETD5-related conditions. Experimental studies and prediction algorithms are not available or were not evaluated, and the functional significance of this variant is currently unknown. In summary, the available evidence is currently insufficient to determine the role of this variant in disease. Therefore, it has been classified as a Variant of Uncertain Significance.